The following is an entry in ClinVar:

NM_000051.4(ATM):c.3447T>G (p.Asn1149Lys)

Gene: ATM (ATM serine/threonine kinase; plus strand). Cytogenetic location: 11q22.3.
Variant type: single nucleotide variant.
Coding change: c.3447T>G on transcript NM_000051.4 (MANE Select); coding-DNA position 3447, T replaced by G.
Protein change: p.Asn1149Lys; replaces asparagine 1149 with lysine.
Molecular consequence: missense variant.
Genome position (GRCh38, 1-based): chr11:108,281,039, T>G. VCF-style: chr11-108281039-T-G. GRCh37 (hg19) VCF-style: chr11-108151766-T-G.
Other names: c.3447T>G, p.Asn1149Lys (NM_001351834.2); short protein forms N1149K.
Identifiers: ClinVar variation 2120996 (VCV002120996.4), dbSNP rs763473729, ClinGen allele CA382519283.

ClinVar aggregate classification (germline): Uncertain significance (1 of 4 stars; one submission).

Conditions:
Ataxia-telangiectasia syndrome (AT). Also called: Ataxia-telangiectasia; AT, COMPLEMENTATION GROUP C; ATAXIA-TELANGIECTASIA, COMPLEMENTATION GROUP A; ATAXIA-TELANGIECTASIA, FRESNO VARIANT; Ataxia-telangiectasia, complementation group E; LOUIS-BAR SYNDROME. Identifiers: Orphanet 100, MedGen C0004135, MONDO:0008840, OMIM 208900.

Submission:

Labcorp Genetics (formerly Invitae), Labcorp
Classification: Uncertain significance for Ataxia-telangiectasia syndrome. Last evaluated: 2024-07-30. Review status: criteria provided, single submitter. Criteria: Invitae Variant Classification Sherloc (09022015). Collection method: clinical testing. Allele origin: germline.
Comment: This sequence change replaces asparagine, which is neutral and polar, with lysine, which is basic and polar, at codon 1149 of the ATM protein (p.Asn1149Lys). This variant is not present in population databases (gnomAD no frequency). This variant has not been reported in the literature in individuals affected with ATM-related conditions. ClinVar contains an entry for this variant (Variation ID: 2120996). An algorithm developed to predict the effect of missense changes on protein structure and function (PolyPhen-2) suggests that this variant is likely to be disruptive. In summary, the available evidence is currently insufficient to determine the role of this variant in disease. Therefore, it has been classified as a Variant of Uncertain Significance.